The following is an entry in ClinVar:

ClinVar aggregate classification (germline): Uncertain significance (1 of 4 stars; one submission).

Submission:

GeneDx
Classification: Uncertain significance. Last evaluated: 2025-02-06. Review status: criteria provided, single submitter. Criteria: GeneDx Variant Classification Process June 2021. Collection method: clinical testing. Allele origin: germline. Affected: yes.
Comment: Not observed at significant frequency in large population cohorts (gnomAD); In silico analysis indicates that this missense variant does not alter protein structure/function; Has not been previously published as pathogenic or benign to our knowledge

NM_007317.3(KIF22):c.677T>G (p.Leu226Arg)

Gene: KIF22 (kinesin family member 22; plus strand). Cytogenetic location: 16p11.2.
Variant type: single nucleotide variant.
Coding change: c.677T>G on transcript NM_007317.3 (MANE Select); coding-DNA position 677, T replaced by G.
Protein change: p.Leu226Arg; replaces leucine 226 with arginine.
Molecular consequence: missense variant.
Genome position (GRCh38, 1-based): chr16:29,799,102, T>G. VCF-style: chr16-29799102-T-G. GRCh37 (hg19) VCF-style: chr16-29810423-T-G.
Other names: c.473T>G, p.Leu158Arg (NM_001256269.2, NM_001256270.1); short protein forms L158R, L226R.
Identifiers: ClinVar variation 4074656 (VCV004074656.1).